The following is an entry in ClinVar:

ClinVar aggregate classification (germline): Likely benign. Review status: criteria provided, multiple submitters, no conflicts (2 of 4 stars). 3 submissions from 3 submitters: Likely benign (2). 1 of the submissions does not count toward it. Last evaluated 2025-11-26.

Conditions:
HEPACAM-related disorder. Also called: HEPACAM-related condition.

Allele frequency attached by ClinVar (database versions not stated): TOPMed 0.00002; gnomAD 0.00003; gnomAD exomes 0.00005; ExAC 0.00006; ESP Exome Variant Server 0.00008.
gnomAD v4.1: 54 of 1,608,942 alleles (0.0034%); highest among the groups gnomAD compares: Admixed American, 0.0084%; no homozygotes.

Submissions (3):

Labcorp Genetics (formerly Invitae), Labcorp
Classification: Likely benign. Last evaluated: 2025-11-26. Review status: criteria provided, single submitter. Criteria: Invitae Variant Classification Sherloc (09022015). Collection method: clinical testing. Allele origin: germline.

Blueprint Genetics
Classification: Likely benign. Last evaluated: 2023-11-03. Review status: criteria provided, single submitter. Criteria: ACMG Guidelines, 2015. Collection method: clinical testing. Allele origin: germline.

PreventionGenetics, part of Exact Sciences
Classification: Likely benign for HEPACAM-related condition. Last evaluated: 2019-07-23. Review status: no assertion criteria provided. Collection method: clinical testing. Allele origin: germline. Not counted in ClinVar's aggregate classification.
Comment: This variant is classified as likely benign based on ACMG/AMP sequence variant interpretation guidelines (Richards et al. 2015 PMID: 25741868, with internal and published modifications).

NM_152722.5(HEPACAM):c.438G>A (p.Ser146=)

Gene: HEPACAM (hepatic and glial cell adhesion molecule; minus strand). Cytogenetic location: 11q24.2.
Variant type: single nucleotide variant.
Coding change: c.438G>A on transcript NM_152722.5 (MANE Select); coding-DNA position 438, G replaced by A.
Protein change: p.Ser146=; no amino-acid change (serine 146 retained).
Molecular consequence: synonymous variant.
Genome position (GRCh38, 1-based): chr11:124,924,000, C>T on the plus strand (G>A on the coding strand, the complement: HEPACAM is on the minus strand). VCF-style: chr11-124924000-C-T. GRCh37 (hg19) VCF-style: chr11-124793896-C-T.
Other names: c.438G>A (NM_152722.4).
Identifiers: ClinVar variation 1616867 (VCV001616867.11), dbSNP rs138402483, ClinGen allele CA6345736.